The following is an entry in ClinVar:

NM_024675.4(PALB2):c.1114A>G (p.Ser372Gly)

Gene: PALB2 (partner and localizer of BRCA2; minus strand). Cytogenetic location: 16p12.2.
Variant type: single nucleotide variant.
Coding change: c.1114A>G on transcript NM_024675.4 (MANE Select); coding-DNA position 1114, A replaced by G.
Protein change: p.Ser372Gly; replaces serine 372 with glycine.
Molecular consequence: missense variant.
Genome position (GRCh38, 1-based): chr16:23,635,432, T>C on the plus strand (A>G on the coding strand, the complement: PALB2 is on the minus strand). VCF-style: chr16-23635432-T-C. GRCh37 (hg19) VCF-style: chr16-23646753-T-C.
Other names: short protein forms S372G.
Identifiers: ClinVar variation 142705 (VCV000142705.16), dbSNP rs587782657, ClinGen allele CA169199.
Genomic context (GRCh38, chr16:23,635,432, plus strand): 5'-CTGCAGAAAGAGGAGAGGTTGCTTCCAGGCTAAGACTCTTAGGTTGACTTAGAATCTCAC[T>C]TTCCTGAAGATTTTCATTCCTGCCATCAAGAGTGTCACTGGGAGATTTTAAAGATTTCTC-3'
Protein context (NP_078951.2, residues 362-382): LDGRNENLQE[Ser372Gly]EILSQPKSLS

ClinVar aggregate classification (germline): Uncertain significance. Review status: criteria provided, multiple submitters, no conflicts (2 of 4 stars). 3 submissions from 3 submitters: Uncertain significance (3). Last evaluated 2023-12-31.

Conditions:
Hereditary cancer-predisposing syndrome. Also called: Hereditary Cancer Syndrome; Neoplastic Syndromes, Hereditary; Hereditary neoplastic syndrome; Tumor predisposition. Identifiers: Orphanet 140162, MedGen C0027672, MeSH D009386, MONDO:0015356.
Familial cancer of breast. Also called: BREAST CANCER, FAMILIAL; Hereditary breast cancer; hereditary breast carcinoma. Identifiers: Orphanet 227535, MedGen C0346153, MONDO:0016419, OMIM 114480. Disease mechanism: loss of function.

Allele frequency attached by ClinVar (database versions not stated): gnomAD exomes below 0.00001.
gnomAD v4.1: 5 of 1,614,048 alleles (0.00031%); highest among the groups gnomAD compares: Non-Finnish European, 0.00042%; no homozygotes.

Submissions (3):

Labcorp Genetics (formerly Invitae), Labcorp
Classification: Uncertain significance for Familial cancer of breast. Last evaluated: 2023-12-31. Review status: criteria provided, single submitter. Criteria: Invitae Variant Classification Sherloc (09022015). Collection method: clinical testing. Allele origin: germline.
Comment: This sequence change replaces serine, which is neutral and polar, with glycine, which is neutral and non-polar, at codon 372 of the PALB2 protein (p.Ser372Gly). This variant is not present in population databases (gnomAD no frequency). This variant has not been reported in the literature in individuals affected with PALB2-related conditions. ClinVar contains an entry for this variant (Variation ID: 142705). Advanced modeling of protein sequence and biophysical properties (such as structural, functional, and spatial information, amino acid conservation, physicochemical variation, residue mobility, and thermodynamic stability) performed at Invitae indicates that this missense variant is not expected to disrupt PALB2 protein function with a negative predictive value of 80%. In summary, the available evidence is currently insufficient to determine the role of this variant in disease. Therefore, it has been classified as a Variant of Uncertain Significance.

Ambry Genetics
Classification: Uncertain significance for Hereditary cancer-predisposing syndrome. Last evaluated: 2023-04-19. Review status: criteria provided, single submitter. Criteria: Ambry Variant Classification Scheme 2023. Collection method: clinical testing. Allele origin: germline.
Comment: The p.S372G variant (also known as c.1114A>G), located in coding exon 4 of the PALB2 gene, results from an A to G substitution at nucleotide position 1114. The serine at codon 372 is replaced by glycine, an amino acid with similar properties. This amino acid position is poorly conserved in available vertebrate species. In addition, this alteration is predicted to be tolerated by in silico analysis. Since supporting evidence is limited at this time, the clinical significance of this alteration remains unclear.

Color Diagnostics, LLC DBA Color Health
Classification: Uncertain significance for Hereditary cancer-predisposing syndrome. Last evaluated: 2018-08-08. Review status: criteria provided, single submitter. Criteria: ACMG Guidelines, 2015. Collection method: clinical testing. Allele origin: germline.